The following is an entry in ClinVar:

NM_152564.5(VPS13B):c.11708T>A (p.Val3903Glu)

Gene: VPS13B (vacuolar protein sorting 13 homolog B; plus strand). Cytogenetic location: 8q22.2.
Variant type: single nucleotide variant.
Coding change: c.11708T>A on transcript NM_152564.5 (MANE Select); coding-DNA position 11708, T replaced by A.
Protein change: p.Val3903Glu; replaces valine 3903 with glutamic acid.
Molecular consequence: missense variant.
Genome position (GRCh38, 1-based): chr8:99,871,660, T>A. VCF-style: chr8-99871660-T-A. GRCh37 (hg19) VCF-style: chr8-100883888-T-A.
Other names: c.11783T>A, p.Val3928Glu (NM_017890.5); short protein forms V3903E, V3928E.
Identifiers: ClinVar variation 4866425 (VCV004866425.1).

ClinVar aggregate classification (germline): Uncertain significance (1 of 4 stars; one submission).

Conditions:
Inborn genetic diseases. Identifiers: MedGen C0950123, MeSH D030342.

gnomAD v4.1: 26 of 1,614,062 alleles (0.0016%); highest among the groups gnomAD compares: Non-Finnish European, 0.0022%; no homozygotes.

Submission:

Ambry Genetics
Classification: Uncertain significance for Inborn genetic diseases. Last evaluated: 2026-04-22. Review status: criteria provided, single submitter. Criteria: Ambry Variant Classification Scheme 2023. Collection method: clinical testing. Allele origin: germline.
Comment: The c.11783T>A (p.V3928E) alteration is located in exon 61 (coding exon 60) of the VPS13B gene. This alteration results from a T to A substitution at nucleotide position 11783, causing the valine (V) at amino acid position 3928 to be replaced by a glutamic acid (E). Based on data from gnomAD, the A allele has an overall frequency of <0.001% (1/251412) total alleles studied. The highest observed frequency was 0.001% (1/113724) of European (non-Finnish) alleles. Based on insufficient or conflicting evidence, the clinical significance of this alteration remains unclear.